The following is an entry in ClinVar:

ClinVar aggregate classification (germline): Uncertain significance. Review status: criteria provided, multiple submitters, no conflicts (2 of 4 stars). 2 submissions from 2 submitters: Uncertain significance (2). Last evaluated 2025-12-22.

Conditions:
Hereditary cancer-predisposing syndrome. Also called: Neoplastic Syndromes, Hereditary; Tumor predisposition; Hereditary Cancer Syndrome; Hereditary neoplastic syndrome. Identifiers: Orphanet 140162, MedGen C0027672, MeSH D009386, MONDO:0015356.

Allele frequency attached by ClinVar (database versions not stated): TOPMed below 0.00001; ExAC 0.00001; gnomAD 0.00001; gnomAD exomes 0.00001; 1000 Genomes Project 30x 0.00016; 1000 Genomes Project 0.00020.
gnomAD v4.1: 18 of 1,610,478 alleles (0.0011%); highest among the groups gnomAD compares: South Asian, 0.0022%; no homozygotes.

Submissions (2):

Labcorp Genetics (formerly Invitae), Labcorp
Classification: Uncertain significance. Last evaluated: 2025-12-22. Review status: criteria provided, single submitter. Criteria: Invitae Variant Classification Sherloc (09022015). Collection method: clinical testing. Allele origin: germline.
Comment: This sequence change replaces arginine, which is basic and polar, with cysteine, which is neutral and slightly polar, at codon 424 of the CTNNA1 protein (p.Arg424Cys). This variant is present in population databases (rs531171999, gnomAD 0.005%). This variant has not been reported in the literature in individuals affected with CTNNA1-related conditions. ClinVar contains an entry for this variant (Variation ID: 641417). Invitae Evidence Modeling of protein sequence and biophysical properties (such as structural, functional, and spatial information, amino acid conservation, physicochemical variation, residue mobility, and thermodynamic stability) indicates that this missense variant is not expected to disrupt CTNNA1 protein function with a negative predictive value of 80%. In summary, the available evidence is currently insufficient to determine the role of this variant in disease. Therefore, it has been classified as a Variant of Uncertain Significance.

Ambry Genetics
Classification: Uncertain significance for Hereditary cancer-predisposing syndrome. Last evaluated: 2024-02-20. Review status: criteria provided, single submitter. Criteria: Ambry Variant Classification Scheme 2023. Collection method: clinical testing. Allele origin: germline.
Comment: The p.R424C variant (also known as c.1270C>T), located in coding exon 8 of the CTNNA1 gene, results from a C to T substitution at nucleotide position 1270. The arginine at codon 424 is replaced by cysteine, an amino acid with highly dissimilar properties. This amino acid position is highly conserved in available vertebrate species. In addition, this alteration is predicted to be deleterious by in silico analysis. The evidence for this gene-disease relationship is limited; therefore, the clinical significance of this alteration is unclear.

NM_001903.5(CTNNA1):c.1270C>T (p.Arg424Cys)

Gene: CTNNA1 (catenin alpha 1; plus strand). Cytogenetic location: 5q31.2.
Variant type: single nucleotide variant.
Coding change: c.1270C>T on transcript NM_001903.5 (MANE Select); coding-DNA position 1270, C replaced by T.
Protein change: p.Arg424Cys; replaces arginine 424 with cysteine.
Molecular consequence: missense variant. On other transcripts: 5 prime UTR variant (5), intron variant (2).
Genome position (GRCh38, 1-based): chr5:138,887,616, C>T. VCF-style: chr5-138887616-C-T. GRCh37 (hg19) VCF-style: chr5-138223305-C-T.
Other names: c.1270C>T, p.Arg424Cys (NM_001290307.3, NM_001323982.2, NM_001323983.1 and 3 more transcripts); c.961C>T, p.Arg321Cys (NM_001290309.3); c.901C>T, p.Arg301Cys (NM_001290310.3); c.160C>T, p.Arg54Cys (NM_001290312.1, NM_001323987.1, NM_001323988.1 and 18 more transcripts); c.-238C>T (NM_001324006.1, NM_001324007.1, NM_001324008.1 and 1 more transcripts); c.-113C>T (NM_001324013.1); c.-58+12019C>T (NM_001324012.1); c.-61+12019C>T (NM_001324010.1); short protein forms R424C, R54C, R321C, R301C.
Identifiers: ClinVar variation 641417 (VCV000641417.11), dbSNP rs531171999, ClinGen allele CA3431889.